The following is an entry in ClinVar:

NM_004813.4(PEX16):c.887A>G (p.Glu296Gly)

Gene: PEX16 (peroxisomal biogenesis factor 16; minus strand). Cytogenetic location: 11p11.2.
Variant type: single nucleotide variant.
Coding change: c.887A>G on transcript NM_004813.4 (MANE Select); coding-DNA position 887, A replaced by G.
Protein change: p.Glu296Gly; replaces glutamic acid 296 with glycine.
Molecular consequence: missense variant.
Genome position (GRCh38, 1-based): chr11:45,913,819, T>C on the plus strand (A>G on the coding strand, the complement: PEX16 is on the minus strand). VCF-style: chr11-45913819-T-C. GRCh37 (hg19) VCF-style: chr11-45935370-T-C.
Other names: c.887A>G, p.Glu296Gly (NM_057174.3); short protein forms E296G.
Identifiers: ClinVar variation 1382913 (VCV001382913.3), dbSNP rs2134691628, ClinGen allele CA380225672.
Genomic context (GRCh38, chr11:45,913,819, plus strand): 5'-CGGAGCACCAGTGCCCGCTTGCCAGCCCTCTCCCTGGCTCAGGGTGTCCTGGGTGCTTAC[T>C]CGGAGAAGCGGTCATAGAAAGGAGAGCGCAGCAGGTAGTAGAGCAGCAGGATGGTCCGGC-3'
Protein context (NP_004804.2, residues 286-306): LRSPFYDRFS[Glu296Gly]ARILFLLQLL

ClinVar aggregate classification (germline): Uncertain significance (1 of 4 stars; one submission).

Conditions:
Peroxisome biogenesis disorder. Identifiers: Orphanet 79189, MedGen C1832200, MONDO:0019234. Disease mechanism: loss of function.

Allele frequency attached by ClinVar (database versions not stated): gnomAD exomes 0.00001.
gnomAD v4.1: 24 of 1,613,992 alleles (0.0015%); highest among the groups gnomAD compares: Non-Finnish European, 0.0018%; no homozygotes.

Submission:

Labcorp Genetics (formerly Invitae), Labcorp
Classification: Uncertain significance for Peroxisome biogenesis disorder. Last evaluated: 2022-05-15. Review status: criteria provided, single submitter. Criteria: Invitae Variant Classification Sherloc (09022015). Collection method: clinical testing. Allele origin: germline.
Comment: This sequence change replaces glutamic acid, which is acidic and polar, with glycine, which is neutral and non-polar, at codon 296 of the PEX16 protein (p.Glu296Gly). This variant is not present in population databases (gnomAD no frequency). This variant has not been reported in the literature in individuals affected with PEX16-related conditions. Algorithms developed to predict the effect of missense changes on protein structure and function are either unavailable or do not agree on the potential impact of this missense change (SIFT: "Deleterious"; PolyPhen-2: "Possibly Damaging"; Align-GVGD: "Class C0"). Algorithms developed to predict the effect of sequence changes on RNA splicing suggest that this variant may create or strengthen a splice site. In summary, the available evidence is currently insufficient to determine the role of this variant in disease. Therefore, it has been classified as a Variant of Uncertain Significance.